The following is an entry in ClinVar:

NM_173598.6(KSR2):c.2711C>T (p.Ser904Leu)

Gene: KSR2 (kinase suppressor of ras 2; minus strand). Cytogenetic location: 12q24.22.
Variant type: single nucleotide variant.
Coding change: c.2711C>T on transcript NM_173598.6 (MANE Select); coding-DNA position 2711, C replaced by T.
Protein change: p.Ser904Leu; replaces serine 904 with leucine.
Molecular consequence: missense variant.
Genome position (GRCh38, 1-based): chr12:117,471,192, G>A on the plus strand (C>T on the coding strand, the complement: KSR2 is on the minus strand). VCF-style: chr12-117471192-G-A. GRCh37 (hg19) VCF-style: chr12-117908997-G-A.
Other names: c.2624C>T (NM_173598.4); short protein forms S904L.
Identifiers: ClinVar variation 1587466 (VCV001587466.34), dbSNP rs201637020, ClinGen allele CA6815654.

ClinVar aggregate classification (germline): Benign/Likely benign. Review status: criteria provided, multiple submitters, no conflicts (2 of 4 stars). 4 submissions from 4 submitters: Benign (1); Likely benign (2). 1 of the submissions does not count toward it. Last evaluated 2025-04-09.

Conditions:
KSR2-related disorder. Also called: KSR2-related condition.

Allele frequency attached by ClinVar (database versions not stated): 1000 Genomes Project 0.00040; 1000 Genomes Project 30x 0.00047; ExAC 0.00140; gnomAD 0.00141 and 0.00145; TOPMed 0.00142; gnomAD exomes 0.00147 and 0.00164; ESP Exome Variant Server 0.00183.
gnomAD v4.1: 2,457 of 1,613,770 alleles (0.15%); highest among the groups gnomAD compares: Non-Finnish European, 0.11%; 18 homozygotes.

Submissions (4):

Labcorp Genetics (formerly Invitae), Labcorp
Classification: Benign. Last evaluated: 2025-04-09. Review status: criteria provided, single submitter. Criteria: Invitae Variant Classification Sherloc (09022015). Collection method: clinical testing. Allele origin: germline.

CeGaT Center for Human Genetics Tuebingen
Classification: Likely benign. Last evaluated: 2024-12-01. Review status: criteria provided, single submitter. Criteria: CeGaT Center For Human Genetics Tuebingen Variant Classification Criteria Version 2. Collection method: clinical testing. Allele origin: germline. Affected: yes. Observed: 2 variant alleles.
Comment: KSR2: BS2

Blueprint Genetics
Classification: Likely benign. Last evaluated: 2024-11-26. Review status: criteria provided, single submitter. Criteria: ACMG Guidelines, 2015. Collection method: clinical testing. Allele origin: germline.

PreventionGenetics, part of Exact Sciences
Classification: Benign for KSR2-related condition. Last evaluated: 2019-07-31. Review status: no assertion criteria provided. Collection method: clinical testing. Allele origin: germline. Not counted in ClinVar's aggregate classification.
Comment: This variant is classified as benign based on ACMG/AMP sequence variant interpretation guidelines (Richards et al. 2015 PMID: 25741868, with internal and published modifications).